The following is an entry in ClinVar:

NM_000368.5(TSC1):c.2667A>C (p.Glu889Asp)

Gene: TSC1 (TSC complex subunit 1; minus strand). Cytogenetic location: 9q34.13.
Variant type: single nucleotide variant.
Coding change: c.2667A>C on transcript NM_000368.5 (MANE Select); coding-DNA position 2667, A replaced by C.
Protein change: p.Glu889Asp; replaces glutamic acid 889 with aspartic acid.
Molecular consequence: missense variant.
Genome position (GRCh38, 1-based): chr9:132,897,569, T>G on the plus strand (A>C on the coding strand, the complement: TSC1 is on the minus strand). VCF-style: chr9-132897569-T-G. GRCh37 (hg19) VCF-style: chr9-135772956-T-G.
Other names: c.2664A>C, p.Glu888Asp (NM_001162426.2, NM_001406597.1, NM_001406598.1 and 2 more transcripts); c.2514A>C, p.Glu838Asp (NM_001162427.2, NM_001406610.1); c.2304A>C, p.Glu768Asp (NM_001362177.2, NM_001406614.1, NM_001406615.1 and 4 more transcripts); c.2667A>C, p.Glu889Asp (NM_001406592.1, NM_001406593.1, NM_001406594.1 and 2 more transcripts); c.2652A>C, p.Glu884Asp (NM_001406601.1, NM_001406602.1); c.2649A>C, p.Glu883Asp (NM_001406603.1, NM_001406604.1); c.2625A>C, p.Glu875Asp (NM_001406605.1, NM_001406606.1, NM_001406607.1); c.2622A>C, p.Glu874Asp (NM_001406608.1, NM_001406609.1); and 8 more; short protein forms E768D, E838D, E883D, E889D, E571D, E753D, E767D, E823D.
Identifiers: ClinVar variation 2091577 (VCV002091577.4), dbSNP rs1554813546, ClinGen allele CA375369567.
Genomic context (GRCh38, chr9:132,897,569, plus strand): 5'-AATCCGTTTTTGGGAGGTATCAAGCCTCTGAGTCTGCTGGAGAACATGGCTTCTGTTTTT[T>G]TCTAGCTCTTTCCGATAGGCGGCTTTCATCATTTCTACTTCCTGAAAAAAAAAAAAAAAA-3'
Protein context (NP_000359.1, residues 879-899): MMKAAYRKEL[Glu889Asp]KNRSHVLQQT

ClinVar aggregate classification (germline): Uncertain significance (1 of 4 stars; one submission).

Conditions:
Tuberous sclerosis 1 (TSC1). Identifiers: Orphanet 805, MedGen C1854465, MONDO:0008612, OMIM 191100.

Submission:

Labcorp Genetics (formerly Invitae), Labcorp
Classification: Uncertain significance for Tuberous sclerosis 1. Last evaluated: 2022-02-01. Review status: criteria provided, single submitter. Criteria: Invitae Variant Classification Sherloc (09022015). Collection method: clinical testing. Allele origin: germline.
Comment: This variant is not present in population databases (gnomAD no frequency). This sequence change replaces glutamic acid, which is acidic and polar, with aspartic acid, which is acidic and polar, at codon 889 of the TSC1 protein (p.Glu889Asp). This variant has not been reported in the literature in individuals affected with TSC1-related conditions. In summary, the available evidence is currently insufficient to determine the role of this variant in disease. Therefore, it has been classified as a Variant of Uncertain Significance. Algorithms developed to predict the effect of missense changes on protein structure and function (SIFT, PolyPhen-2, Align-GVGD) all suggest that this variant is likely to be tolerated.